The following is an entry in ClinVar:

NM_181486.4(TBX5):c.1507C>T (p.His503Tyr)

Gene: TBX5 (T-box transcription factor 5; minus strand). Cytogenetic location: 12q24.21.
Variant type: single nucleotide variant.
Coding change: c.1507C>T on transcript NM_181486.4 (MANE Select); coding-DNA position 1507, C replaced by T.
Protein change: p.His503Tyr; replaces histidine 503 with tyrosine.
Molecular consequence: missense variant.
Genome position (GRCh38, 1-based): chr12:114,355,582, G>A on the plus strand (C>T on the coding strand, the complement: TBX5 is on the minus strand). VCF-style: chr12-114355582-G-A. GRCh37 (hg19) VCF-style: chr12-114793387-G-A.
Other names: c.1507C>T, p.His503Tyr (NM_000192.3); c.1357C>T, p.His453Tyr (NM_080717.4); short protein forms H453Y, H503Y.
Identifiers: ClinVar variation 2507337 (VCV002507337.1), dbSNP rs2540424476, ClinGen allele CA386924919.

ClinVar aggregate classification (germline): Uncertain significance (1 of 4 stars; one submission).

Submission:

GeneDx
Classification: Uncertain significance. Last evaluated: 2022-12-30. Review status: criteria provided, single submitter. Criteria: GeneDx Variant Classification Process June 2021. Collection method: clinical testing. Allele origin: germline. Affected: yes.
Comment: Not observed at significant frequency in large population cohorts (gnomAD); In silico analysis supports that this missense variant does not alter protein structure/function; Has not been previously published as pathogenic or benign to our knowledge